The following is an entry in ClinVar:

ClinVar aggregate classification (germline): Uncertain significance. Review status: criteria provided, multiple submitters, no conflicts (2 of 4 stars). 2 submissions from 2 submitters: Uncertain significance (2). Last evaluated 2025-02-14.

Conditions:
Encephalopathy, acute, infection-induced (herpes-specific), susceptibility to, 6. Also called: Herpes simplex encephalitis, susceptibility to, 4. Identifiers: Orphanet 1930, MedGen C3553869, MONDO:0013921, OMIM 614850.

Submissions (2):

Ambry Genetics
Classification: Uncertain significance. Last evaluated: 2025-02-14. Review status: criteria provided, single submitter. Criteria: Ambry Variant Classification Scheme 2023. Collection method: clinical testing. Allele origin: germline.

Labcorp Genetics (formerly Invitae), Labcorp
Classification: Uncertain significance for Encephalopathy, acute, infection-induced (herpes-specific), susceptibility to, 6. Last evaluated: 2022-11-08. Review status: criteria provided, single submitter. Criteria: Invitae Variant Classification Sherloc (09022015). Collection method: clinical testing. Allele origin: germline.
Comment: In summary, the available evidence is currently insufficient to determine the role of this variant in disease. Therefore, it has been classified as a Variant of Uncertain Significance. Algorithms developed to predict the effect of missense changes on protein structure and function (SIFT, PolyPhen-2, Align-GVGD) all suggest that this variant is likely to be disruptive. ClinVar contains an entry for this variant (Variation ID: 1345509). This variant has not been reported in the literature in individuals affected with TICAM1-related conditions. This variant is not present in population databases (gnomAD no frequency). This sequence change replaces alanine, which is neutral and non-polar, with aspartic acid, which is acidic and polar, at codon 45 of the TICAM1 protein (p.Ala45Asp).

NM_182919.4(TICAM1):c.134C>A (p.Ala45Asp)

Gene: TICAM1 (TIR domain containing adaptor molecule 1; minus strand). Cytogenetic location: 19p13.3.
Variant type: single nucleotide variant.
Coding change: c.134C>A on transcript NM_182919.4 (MANE Select); coding-DNA position 134, C replaced by A.
Protein change: p.Ala45Asp; replaces alanine 45 with aspartic acid.
Molecular consequence: missense variant. On other transcripts: 5 prime UTR variant (1), intron variant (1).
Genome position (GRCh38, 1-based): chr19:4,818,244, G>T on the plus strand (C>A on the coding strand, the complement: TICAM1 is on the minus strand). VCF-style: chr19-4818244-G-T. GRCh37 (hg19) VCF-style: chr19-4818256-G-T.
Other names: c.92C>A, p.Ala31Asp (NM_001385678.1); c.-2C>A (NM_001385679.1); c.-72+140C>A (NM_001385680.1); c.134C>A (NM_182919.2); short protein forms A31D, A45D.
Identifiers: ClinVar variation 1345509 (VCV001345509.8), dbSNP rs375571285, ClinGen allele CA403493470.
Genomic context (GRCh38, chr19:4,818,244, plus strand): 5'-TTCAATGCCTCTAGAGAGATCCTGGCCTCAGTTTCCTGGCCCAGCTTCAGGAGAACCATG[G>T]CATGCAGGAGGTCCTGCCCCTGGCAGCCTGGGCGTGGGGTCTTCAGTTTGTGCTTCAGAT-3'
Protein context (NP_891549.1, residues 35-55): PGCQGQDLLH[Ala45Asp]MVLLKLGQET